The following is an entry in ClinVar:

NM_000329.3(RPE65):c.*915C>G

Gene: RPE65 (retinoid isomerohydrolase RPE65; minus strand). Cytogenetic location: 1p31.3.
Variant type: single nucleotide variant.
Coding change: c.*915C>G on transcript NM_000329.3 (MANE Select); 915 bases downstream of the stop codon, C replaced by G.
Molecular consequence: 3 prime UTR variant.
Genome position (GRCh38, 1-based): chr1:68,428,861, G>C on the plus strand (C>G on the coding strand, the complement: RPE65 is on the minus strand). VCF-style: chr1-68428861-G-C. GRCh37 (hg19) VCF-style: chr1-68894544-G-C.
Identifiers: ClinVar variation 298010 (VCV000298010.6), dbSNP rs3118416, ClinGen allele CA10610318.

ClinVar aggregate classification (germline): Benign. Review status: criteria provided, multiple submitters, no conflicts (2 of 4 stars). 3 submissions from 2 submitters: Benign (3). Last evaluated 2018-01-13.

Conditions:
Retinitis pigmentosa (RP). Identifiers: Orphanet 791, MedGen C0035334, MeSH D012174, MONDO:0019200, OMIM 268000. Inheritance: Autosomal dominant, autosomal recessive and X linked inheritance.
Leber congenital amaurosis 2 (LCA2). Also called: Autosomal Recessive RPE65-Related Retinal Degeneration; AMAUROSIS CONGENITA OF LEBER II. Identifiers: Orphanet 65, MedGen C1859844, MONDO:0008765, OMIM 204100. Disease mechanism: loss of function.

Allele frequency attached by ClinVar (database versions not stated): gnomAD 0.42177 and 0.42975; TOPMed 0.43463; 1000 Genomes Project 30x 0.56230; 1000 Genomes Project 0.56550.

Submissions (3):

Illumina Laboratory Services, Illumina
Classification: Benign for Leber congenital amaurosis 2. Last evaluated: 2018-01-13. Review status: criteria provided, single submitter. Criteria: ICSL Variant Classification Criteria 13 December 2019. Collection method: clinical testing. Allele origin: germline.
Comment: This variant was observed in the ICSL laboratory as part of a predisposition screen in an ostensibly healthy population. It had not been previously curated by ICSL or reported in the Human Gene Mutation Database (HGMD: prior to June 1st, 2018), and was therefore a candidate for classification through an automated scoring system. Utilizing variant allele frequency, disease prevalence and penetrance estimates, and inheritance mode, an automated score was calculated to assess if this variant is too frequent to cause the disease. Based on the score and internal cut-off values, a variant classified as benign is not then subjected to further curation. The score for this variant resulted in a classification of benign for this disease.

Illumina Laboratory Services, Illumina
Classification: Benign for Retinitis pigmentosa. Last evaluated: 2018-01-13. Review status: criteria provided, single submitter. Criteria: ICSL Variant Classification Criteria 13 December 2019. Collection method: clinical testing. Allele origin: germline.
Comment: the same text as in the submission from Illumina Laboratory Services, Illumina above.

Breakthrough Genomics
Classification: Benign. Review status: criteria provided, single submitter. Criteria: ACMG Guidelines, 2015. Collection method: not provided. Allele origin: germline. Inheritance: Autosomal recessive inheritance. Affected: yes.